The following is an entry in ClinVar:

ClinVar aggregate classification (germline): Uncertain significance (1 of 4 stars; one submission).

Conditions:
Arthrogryposis- oculomotor limitation-electroretinal anomalies syndrome. Also called: ARTHROGRYPOSIS, DISTAL, TYPE 5; ARTHROGRYPOSIS WITH OCULOMOTOR LIMITATION AND ELECTRORETINAL ABNORMALITIES; ARTHROGRYPOSIS, DISTAL, TYPE IIB. Identifiers: Orphanet 1154, MedGen C1862472, MONDO:0007158, OMIM 108145.
Arthrogryposis, distal, with impaired proprioception and touch (DAIPT). Identifiers: MedGen C4310692, MONDO:0014941, OMIM 617146.
Gordon syndrome (DA3). Also called: ARTHROGRYPOSIS MULTIPLEX CONGENITA, DISTAL, TYPE IIA; CAMPTODACTYLY, CLEFT PALATE, AND CLUBFOOT; Gordon's syndrome. Identifiers: Orphanet 376, MedGen C0220666, MONDO:0007252, OMIM 114300.
Marden-Walker syndrome (MWKS). Also called: Connective tissue disorder Marden Walker type. Identifiers: Orphanet 2461, MedGen C0796033, MONDO:0009564, OMIM 248700.

gnomAD v4.1: 6 of 1,537,258 alleles (0.00039%); highest among the groups gnomAD compares: African/African-American, 0.0082%; no homozygotes.

Submission:

Clinical Genomics Laboratory, Washington University in St. Louis
Classification: Uncertain significance for Gordon syndrome; Arthrogryposis- oculomotor limitation-electroretinal anomalies syndrome; Arthrogryposis, distal, with impaired proprioception and touch; Marden-Walker syndrome. Last evaluated: 2025-03-05. Review status: criteria provided, single submitter. Criteria: ACMG Guidelines, 2015. Collection method: clinical testing. Allele origin: germline.
Comment: The PIEZO2 c.965G>C (p.Trp322Ser) variant, to our knowledge, has not been reported in the medical literature. This variant is only observed on 6/1,537,258 alleles in the general population (gnomAD v4.1), indicating it is not a common variant. Computational predictors indicate that the variant is damaging, evidence that correlates with impact to PIEZO2 function. Due to limited information, and based on ACMG/AMP guidelines for variant interpretation (Richards S et al., PMID: 25741868), the clinical significance of this variant is uncertain at this time.

NM_001378183.1(PIEZO2):c.965G>C (p.Trp322Ser)

Gene: PIEZO2 (piezo type mechanosensitive ion channel component 2; minus strand). Cytogenetic location: 18p11.22.
Variant type: single nucleotide variant.
Coding change: c.965G>C on transcript NM_001378183.1 (MANE Select); coding-DNA position 965, G replaced by C.
Protein change: p.Trp322Ser; replaces tryptophan 322 with serine.
Molecular consequence: missense variant.
Genome position (GRCh38, 1-based): chr18:10,807,227, C>G on the plus strand (G>C on the coding strand, the complement: PIEZO2 is on the minus strand). VCF-style: chr18-10807227-C-G. GRCh37 (hg19) VCF-style: chr18-10807225-C-G.
Other names: c.965G>C, p.Trp322Ser (NM_001410871.1, NM_022068.4); short protein forms W322S.
Identifiers: ClinVar variation 4279967 (VCV004279967.1).